The following is an entry in ClinVar:

NM_000553.6(WRN):c.3336T>G (p.Tyr1112Ter)

Gene: WRN (WRN RecQ like helicase; plus strand). Cytogenetic location: 8p12.
Variant type: single nucleotide variant.
Coding change: c.3336T>G on transcript NM_000553.6 (MANE Select); coding-DNA position 3336, T replaced by G.
Protein change: p.Tyr1112Ter; replaces tyrosine 1112 with a stop codon.
Molecular consequence: nonsense.
Genome position (GRCh38, 1-based): chr8:31,143,576, T>G. VCF-style: chr8-31143576-T-G. GRCh37 (hg19) VCF-style: chr8-31001092-T-G.
Other names: short protein forms Y1112*.
Identifiers: ClinVar variation 1452146 (VCV001452146.6), dbSNP rs1802745073, ClinGen allele CA370924060.

ClinVar aggregate classification (germline): Pathogenic (1 of 4 stars; one submission).

Conditions:
Werner syndrome (WRN). Identifiers: Orphanet 902, MedGen C0043119, MONDO:0010196, OMIM 277700.

Submission:

Labcorp Genetics (formerly Invitae), Labcorp
Classification: Pathogenic for Werner syndrome. Last evaluated: 2021-05-13. Review status: criteria provided, single submitter. Criteria: Invitae Variant Classification Sherloc (09022015). Collection method: clinical testing. Allele origin: germline.
Comment: For these reasons, this variant has been classified as Pathogenic. This variant has not been reported in the literature in individuals with WRN-related conditions. This variant is not present in population databases (ExAC no frequency). This sequence change creates a premature translational stop signal (p.Tyr1112*) in the WRN gene. It is expected to result in an absent or disrupted protein product. Loss-of-function variants in WRN are known to be pathogenic (PMID: 16673358).

Literature cited by the submitters: PubMed 16673358.